The following is an entry in ClinVar:

NM_001351132.2(PEX5):c.1653C>T (p.Leu551=)

Gene: PEX5 (peroxisomal biogenesis factor 5; plus strand). Cytogenetic location: 12p13.31.
Variant type: single nucleotide variant.
Coding change: c.1653C>T on transcript NM_001351132.2 (MANE Select); coding-DNA position 1653, C replaced by T.
Protein change: p.Leu551=; no amino-acid change (leucine 551 retained).
Molecular consequence: synonymous variant.
Genome position (GRCh38, 1-based): chr12:7,209,775, C>T. VCF-style: chr12-7209775-C-T. GRCh37 (hg19) VCF-style: chr12-7362371-C-T.
Other names: c.1629C>T, p.Leu543= (NM_000319.5); c.1698C>T, p.Leu566= (NM_001131023.2); c.1542C>T, p.Leu514= (NM_001131024.2, NM_001351124.3, NM_001351126.2 and 7 more transcripts); c.1653C>T, p.Leu551= (NM_001131025.2, NM_001131026.2, NM_001300789.3 and 4 more transcripts); c.1587C>T, p.Leu529= (NM_001351135.3, NM_001351138.2); c.1644C>T, p.Leu548= (NM_001351136.2); c.1518C>T, p.Leu506= (NM_001351139.2, NM_001351140.2, NM_001374649.2); c.1653C>T (NM_001131025.1).
Identifiers: ClinVar variation 1656436 (VCV001656436.33), dbSNP rs200215904, ClinGen allele CA6426537.

ClinVar aggregate classification (germline): Likely benign. Review status: criteria provided, multiple submitters, no conflicts (2 of 4 stars). 3 submissions from 3 submitters: Likely benign (3). Last evaluated 2025-10-28.

Conditions:
PEX5-related disorder. Also called: PEX5-related condition; PEX5-Related Disorders.
Peroxisome biogenesis disorder 2B (PBD2B). Identifiers: Orphanet 44, MedGen C3550234, MONDO:0008736, OMIM 202370.

Allele frequency attached by ClinVar (database versions not stated): 1000 Genomes Project 30x 0.00016; 1000 Genomes Project 0.00020.
gnomAD v4.1: 31 of 1,614,188 alleles (0.0019%); highest among the groups gnomAD compares: Middle Eastern, 0.016%; no homozygotes.

Submissions (3):

Labcorp Genetics (formerly Invitae), Labcorp
Classification: Likely benign for Peroxisome biogenesis disorder 2B. Last evaluated: 2025-10-28. Review status: criteria provided, single submitter. Criteria: Invitae Variant Classification Sherloc (09022015). Collection method: clinical testing. Allele origin: germline.

PreventionGenetics, part of Exact Sciences
Classification: Likely benign for PEX5-related condition. Last evaluated: 2025-06-05. Review status: criteria provided, single submitter. Criteria: ACMG Guidelines, 2015. Collection method: clinical testing. Allele origin: germline.
Comment: This variant is classified as likely benign based on ACMG/AMP sequence variant interpretation guidelines (Richards et al. 2015 PMID: 25741868, with internal and published modifications).

CeGaT Center for Human Genetics Tuebingen
Classification: Likely benign. Last evaluated: 2022-10-01. Review status: criteria provided, single submitter. Criteria: CeGaT Center For Human Genetics Tuebingen Variant Classification Criteria Version 2. Collection method: clinical testing. Allele origin: germline. Affected: yes. Observed: 1 variant allele.
Comment: PEX5: BP4, BP7